The following is an entry in ClinVar:

NM_032043.3(BRIP1):c.717G>A (p.Gly239=)

Gene: BRIP1 (BRCA1 interacting DNA helicase 1; minus strand). Cytogenetic location: 17q23.2.
Variant type: single nucleotide variant.
Coding change: c.717G>A on transcript NM_032043.3 (MANE Select); coding-DNA position 717, G replaced by A.
Protein change: p.Gly239=; no amino-acid change (glycine 239 retained).
Molecular consequence: synonymous variant.
Genome position (GRCh38, 1-based): chr17:61,808,668, C>T on the plus strand (G>A on the coding strand, the complement: BRIP1 is on the minus strand). VCF-style: chr17-61808668-C-T. GRCh37 (hg19) VCF-style: chr17-59886029-C-T.
Other names: c.717G>A (NM_032043.2).
Identifiers: ClinVar variation 1121532 (VCV001121532.12), dbSNP rs2078113961, ClinGen allele CA501335674.

ClinVar aggregate classification (germline): Benign/Likely benign. Review status: criteria provided, multiple submitters, no conflicts (2 of 4 stars). 3 submissions from 3 submitters: Benign (1); Likely benign (2). Last evaluated 2025-08-07.

Conditions:
Hereditary cancer-predisposing syndrome. Also called: Neoplastic Syndromes, Hereditary; Hereditary Cancer Syndrome; Hereditary neoplastic syndrome; Tumor predisposition. Identifiers: Orphanet 140162, MedGen C0027672, MeSH D009386, MONDO:0015356.
Familial cancer of breast. Also called: BREAST CANCER, FAMILIAL; Hereditary breast cancer; hereditary breast carcinoma. Identifiers: Orphanet 227535, MedGen C0346153, MONDO:0016419, OMIM 114480. Disease mechanism: loss of function.
Fanconi anemia complementation group J. Also called: BRIP1-Related Fanconi Anemia. Identifiers: Orphanet 84, MedGen C1836860, MONDO:0012187, OMIM 609054.

Allele frequency attached by ClinVar (database versions not stated): gnomAD exomes below 0.00001.
gnomAD v4.1: 1 of 1,613,842 alleles (0.000062%); highest among the groups gnomAD compares: Non-Finnish European, 0.000085%; no homozygotes.

Submissions (3):

Labcorp Genetics (formerly Invitae), Labcorp
Classification: Likely benign for Familial cancer of breast; Fanconi anemia complementation group J. Last evaluated: 2025-08-07. Review status: criteria provided, single submitter. Criteria: Invitae Variant Classification Sherloc (09022015). Collection method: clinical testing. Allele origin: germline.

Ambry Genetics
Classification: Likely benign for Hereditary cancer-predisposing syndrome. Last evaluated: 2024-12-02. Review status: criteria provided, single submitter. Criteria: Ambry Variant Classification Scheme 2023. Collection method: clinical testing. Allele origin: germline.

Myriad Genetics, Inc.
Classification: Benign for Familial cancer of breast. Last evaluated: 2024-08-22. Review status: criteria provided, single submitter. Criteria: Myriad Autosomal Dominant, Autosomal Recessive and X-Linked Classification Criteria (2023). Collection method: clinical testing. Allele origin: unknown.
Comment: This variant is considered benign. This variant is a silent/synonymous amino acid change and it is not expected to impact splicing.